The following is an entry in ClinVar:

NM_001031709.3(RNLS):c.478A>C (p.Thr160Pro)

Gene: RNLS (renalase, FAD dependent amine oxidase; minus strand). Cytogenetic location: 10q23.31.
Variant type: single nucleotide variant.
Coding change: c.478A>C on transcript NM_001031709.3 (MANE Select); coding-DNA position 478, A replaced by C.
Protein change: p.Thr160Pro; replaces threonine 160 with proline.
Molecular consequence: missense variant.
Genome position (GRCh38, 1-based): chr10:88,572,951, T>G on the plus strand (A>C on the coding strand, the complement: RNLS is on the minus strand). VCF-style: chr10-88572951-T-G. GRCh37 (hg19) VCF-style: chr10-90332708-T-G.
Other names: c.478A>C, p.Thr160Pro (NM_018363.4); short protein forms T160P.
Identifiers: ClinVar variation 3434622 (VCV003434622.2).
Genomic context (GRCh38, chr10:88,572,951, plus strand): 5'-AAGCAGACTCACAGGTGGTGATGTCACCTTGAAGCTGCAGAATCTCAGGAACTGGCATTG[T>G]GAGAACAATAAGATCAAACTGCTCAGGGGAGCCTGTTTGTTTGGATACTTCCCATTTGTC-3'
Protein context (NP_001026879.2, residues 150-170): SPEQFDLIVL[Thr160Pro]MPVPEILQLQ

ClinVar aggregate classification (germline): Uncertain significance. Review status: criteria provided, multiple submitters, no conflicts (2 of 4 stars). 2 submissions from 2 submitters: Uncertain significance (2). Last evaluated 2025-03-19.

gnomAD v4.1: 5 of 1,613,932 alleles (0.00031%); highest among the groups gnomAD compares: East Asian, 0.011%; no homozygotes.

Submissions (2):

Labcorp Genetics (formerly Invitae), Labcorp
Classification: Uncertain significance. Last evaluated: 2025-03-19. Review status: criteria provided, single submitter. Criteria: Invitae Variant Classification Sherloc (09022015). Collection method: clinical testing. Allele origin: germline.
Comment: This sequence change replaces threonine, which is neutral and polar, with proline, which is neutral and non-polar, at codon 160 of the RNLS protein (p.Thr160Pro). This variant is present in population databases (rs777232513, gnomAD 0.03%). This variant has not been reported in the literature in individuals affected with RNLS-related conditions. ClinVar contains an entry for this variant (Variation ID: 3434622). An algorithm developed to predict the effect of missense changes on protein structure and function (PolyPhen-2) suggests that this variant is likely to be disruptive. In summary, the available evidence is currently insufficient to determine the role of this variant in disease. Therefore, it has been classified as a Variant of Uncertain Significance.

Ambry Genetics
Classification: Uncertain significance. Last evaluated: 2024-10-01. Review status: criteria provided, single submitter. Criteria: Ambry Variant Classification Scheme 2023. Collection method: clinical testing. Allele origin: germline.